The following is an entry in ClinVar:

NM_001042681.2(RERE):c.3841A>C (p.Thr1281Pro)

Gene: RERE (arginine-glutamic acid dipeptide repeats; minus strand). Cytogenetic location: 1p36.23.
Variant type: single nucleotide variant.
Coding change: c.3841A>C on transcript NM_001042681.2 (MANE Select); coding-DNA position 3841, A replaced by C.
Protein change: p.Thr1281Pro; replaces threonine 1281 with proline.
Molecular consequence: missense variant.
Genome position (GRCh38, 1-based): chr1:8,358,694, T>G on the plus strand (A>C on the coding strand, the complement: RERE is on the minus strand). VCF-style: chr1-8358694-T-G. GRCh37 (hg19) VCF-style: chr1-8418754-T-G.
Other names: c.2179A>C, p.Thr727Pro (NM_001042682.2); c.3841A>C, p.Thr1281Pro (NM_012102.4); short protein forms T1281P, T727P.
Identifiers: ClinVar variation 2637755 (VCV002637755.1), dbSNP rs2784734, ClinGen allele CA17691344.
Genomic context (GRCh38, chr1:8,358,694, plus strand): 5'-CGCGGATGGTGGGGTCGACGTTGTAGAGGCCAGGCATGTGGTAGGCCAGCAGGGGGTCCG[T>G]GGGGTTAAGGGGCATGTAGAAGGGGTGGTTGCGGTTGGTGGGCGACATGACGTGGGGCCG-3'
Protein context (NP_001036146.1, residues 1271-1291): NHPFYMPLNP[Thr1281Pro]DPLLAYHMPG

ClinVar aggregate classification (germline): Uncertain significance (1 of 4 stars; one submission).

Allele frequency attached by ClinVar (database versions not stated): gnomAD 0.00002.
gnomAD v4.1: 4 of 1,588,070 alleles (0.00025%); highest among the groups gnomAD compares: African/African-American, 0.0054%; no homozygotes.

Submission:

Women's Health and Genetics/Laboratory Corporation of America, LabCorp
Classification: Uncertain significance. Last evaluated: 2023-10-16. Review status: criteria provided, single submitter. Criteria: LabCorp Variant Classification Summary - May 2015. Collection method: clinical testing. Allele origin: germline.
Comment: Variant summary: RERE c.3841A>C (p.Thr1281Pro) results in a non-conservative amino acid change in the encoded protein sequence. Three of five in-silico tools predict a damaging effect of the variant on protein function. The variant was absent in 232094 control chromosomes (gnomAD). The available data on variant occurrences in the general population are insufficient to allow any conclusion about variant significance. To our knowledge, no occurrence of c.3841A>C in individuals affected with Neurodevelopmental Disorder With Or Without Anomalies Of The Brain, Eye, Or Heart and no experimental evidence demonstrating its impact on protein function have been reported. No submitters have cited clinical-significance assessments for this variant to ClinVar after 2014. Based on the evidence outlined above, the variant was classified as uncertain significance.